The following is an entry in ClinVar:

NM_024577.4(SH3TC2):c.*7006T>C

Gene: SH3TC2 (SH3 domain and tetratricopeptide repeats 2; minus strand). Cytogenetic location: 5q32.
Variant type: single nucleotide variant.
Coding change: c.*7006T>C on transcript NM_024577.4 (MANE Select); 7006 bases downstream of the stop codon, T replaced by C.
Molecular consequence: 3 prime UTR variant.
Genome position (GRCh38, 1-based): chr5:148,997,705, A>G on the plus strand (T>C on the coding strand, the complement: SH3TC2 is on the minus strand). VCF-style: chr5-148997705-A-G. GRCh37 (hg19) VCF-style: chr5-148377268-A-G.
Identifiers: ClinVar variation 351777 (VCV000351777.5), dbSNP rs187720692, ClinGen allele CA10619514.
Genomic context (GRCh38, chr5:148,997,705, plus strand): 5'-GATAGCATTTCTCTCAGAGATGTGTCACCTGACAGAAACACAATATAATATAATGGTTTC[A>G]TTTCCTAGCTCCAGCATCAGAGGACATGACTTCAAATTTCACCTCGATCACCACTAACTG-3'

ClinVar aggregate classification (germline): Conflicting classifications of pathogenicity. Review status: criteria provided, conflicting classifications (1 of 4 stars). 2 submissions from 1 submitter: Uncertain significance (1); Likely benign (1). Last evaluated 2018-01-12.

Conditions:
Susceptibility to mononeuropathy of the median nerve, mild. Also called: CARPAL TUNNEL SYNDROME, SUSCEPTIBILITY TO. Identifiers: MedGen C3150596, MONDO:0013237, OMIM 613353.
Charcot-Marie-Tooth disease type 4C (CMT4C). Also called: CHARCOT-MARIE-TOOTH DISEASE, DEMYELINATING, AUTOSOMAL RECESSIVE, TYPE 4C; CMT 4C; Charcot-Marie-Tooth Neuropathy Type 4C (CMT4C); CHARCOT-MARIE-TOOTH DISEASE, DEMYELINATING, TYPE 4C; SH3TC2-Related Hereditary Motor and Sensory Neuropathy. Identifiers: Orphanet 99949, MedGen C1866636, MONDO:0011113, OMIM 601596.

Allele frequency attached by ClinVar (database versions not stated): 1000 Genomes Project 30x 0.00125; 1000 Genomes Project 0.00140; gnomAD 0.00144 and 0.00154; TOPMed 0.00163.
gnomAD v4.1: 217 of 152,328 alleles (0.14%); highest among the groups gnomAD compares: African/African-American, 0.49%; no homozygotes.

Submissions (2):

Illumina Laboratory Services, Illumina
Classification: Likely benign for Susceptibility to mononeuropathy of the median nerve, mild. Last evaluated: 2018-01-12. Review status: criteria provided, single submitter. Criteria: ICSL Variant Classification Criteria 13 December 2019. Collection method: clinical testing. Allele origin: germline.
Comment: This variant was observed in the ICSL laboratory as part of a predisposition screen in an ostensibly healthy population. It had not been previously curated by ICSL or reported in the Human Gene Mutation Database (HGMD: prior to June 1st, 2018), and was therefore a candidate for classification through an automated scoring system. Utilizing variant allele frequency, disease prevalence and penetrance estimates, and inheritance mode, an automated score was calculated to assess if this variant is too frequent to cause the disease. Based on the score and internal cut-off values, a variant classified as likely benign is not then subjected to further curation. The score for this variant resulted in a classification of likely benign for this disease.

Illumina Laboratory Services, Illumina
Classification: Uncertain significance for Charcot-Marie-Tooth disease type 4C. Last evaluated: 2018-01-12. Review status: criteria provided, single submitter. Criteria: ICSL Variant Classification Criteria 13 December 2019. Collection method: clinical testing. Allele origin: germline.